The following is an entry in ClinVar:

NM_002256.4(KISS1):c.156G>A (p.Pro52=)

Gene: KISS1 (KiSS-1 metastasis suppressor; minus strand). Cytogenetic location: 1q32.1.
Variant type: single nucleotide variant.
Coding change: c.156G>A on transcript NM_002256.4 (MANE Select); coding-DNA position 156, G replaced by A.
Protein change: p.Pro52=; no amino-acid change (proline 52 retained).
Molecular consequence: synonymous variant.
Genome position (GRCh38, 1-based): chr1:204,190,745, C>T on the plus strand (G>A on the coding strand, the complement: KISS1 is on the minus strand). VCF-style: chr1-204190745-C-T. GRCh37 (hg19) VCF-style: chr1-204159873-C-T.
Identifiers: ClinVar variation 740101 (VCV000740101.5), dbSNP rs774329614, ClinGen allele CA422849556.
Genomic context (GRCh38, chr1:204,190,745, plus strand): 5'-GGACAGCGAGGTCCCCCGACGGCTCAGCCTGGCAGTAGCAGCTGGCTTCCTCTCGGTGCA[C>T]GGCAGGCTCTGCTCCCCGGGGGCCAGGAGGCCCAGGGATTCTAGCTGCTGGCCTAGGACA-3'
Protein context (NP_002247.3, residues 42-62): GLLAPGEQSL[Pro52=]CTERKPAATA

ClinVar aggregate classification (germline): Likely benign. Review status: criteria provided, single submitter (1 of 4 stars). 2 submissions from 2 submitters: Likely benign (1). 1 of the submissions does not count toward it. Last evaluated 2018-05-04.

Conditions:
KISS1-related disorder. Also called: KISS1-related condition.

gnomAD v4.1: 1 of 1,610,920 alleles (0.000062%); highest among the groups gnomAD compares: African/African-American, 0.0013%; no homozygotes.

Submissions (2):

Labcorp Genetics (formerly Invitae), Labcorp
Classification: Likely benign. Last evaluated: 2018-05-04. Review status: criteria provided, single submitter. Criteria: Invitae Variant Classification Sherloc (09022015). Collection method: clinical testing. Allele origin: germline.

PreventionGenetics, part of Exact Sciences
Classification: Likely benign for KISS1-related condition. Last evaluated: 2019-07-17. Review status: no assertion criteria provided. Collection method: clinical testing. Allele origin: germline. Not counted in ClinVar's aggregate classification.
Comment: This variant is classified as likely benign based on ACMG/AMP sequence variant interpretation guidelines (Richards et al. 2015 PMID: 25741868, with internal and published modifications).